The following is an entry in ClinVar:

NM_002838.5(PTPRC):c.1531C>T (p.Arg511Cys)

Gene: PTPRC (protein tyrosine phosphatase receptor type C; plus strand). Cytogenetic location: 1q32.1.
Variant type: single nucleotide variant.
Coding change: c.1531C>T on transcript NM_002838.5 (MANE Select); coding-DNA position 1531, C replaced by T.
Protein change: p.Arg511Cys; replaces arginine 511 with cysteine.
Molecular consequence: missense variant.
Genome position (GRCh38, 1-based): chr1:198,718,174, C>T. VCF-style: chr1-198718174-C-T. GRCh37 (hg19) VCF-style: chr1-198687303-C-T.
Other names: c.1048C>T, p.Arg350Cys (NM_080921.4); short protein forms R511C, R350C.
Identifiers: ClinVar variation 953813 (VCV000953813.8), dbSNP rs746951007, ClinGen allele CA1314821.

ClinVar aggregate classification (germline): Uncertain significance (1 of 4 stars; one submission).

Conditions:
Immunodeficiency 104. Also called: Severe combined immunodeficiency, autosomal recessive, T cell-negative, B cell-positive, NK cell-positive; IMMUNODEFICIENCY 104, SEVERE COMBINED; SCID, AUTOSOMAL RECESSIVE, T CELL-NEGATIVE, B CELL-POSITIVE, NK CELL-POSITIVE; Severe Combined Immune Deficiency, Autosomal Recessive, TCell -Negative, B Cell-Positive, NK Cell-Positive, IL7R-Related. Identifiers: MedGen C5676890, MONDO:0012163, OMIM 608971.

Allele frequency attached by ClinVar (database versions not stated): TOPMed below 0.00001; ExAC 0.00001; gnomAD 0.00001; gnomAD exomes 0.00002.
gnomAD v4.1: 30 of 1,613,636 alleles (0.0019%); highest among the groups gnomAD compares: Admixed American, 0.0033%; no homozygotes.

Submission:

Labcorp Genetics (formerly Invitae), Labcorp
Classification: Uncertain significance for Immunodeficiency 104. Last evaluated: 2025-07-27. Review status: criteria provided, single submitter. Criteria: Invitae Variant Classification Sherloc (09022015). Collection method: clinical testing. Allele origin: germline.
Comment: This sequence change replaces arginine, which is basic and polar, with cysteine, which is neutral and slightly polar, at codon 511 of the PTPRC protein (p.Arg511Cys). This variant is present in population databases (rs746951007, gnomAD 0.006%). This variant has not been reported in the literature in individuals affected with PTPRC-related conditions. ClinVar contains an entry for this variant (Variation ID: 953813). An algorithm developed to predict the effect of missense changes on protein structure and function (PolyPhen-2) suggests that this variant is likely to be disruptive. In summary, the available evidence is currently insufficient to determine the role of this variant in disease. Therefore, it has been classified as a Variant of Uncertain Significance.